The following is an entry in ClinVar:

NM_000548.5(TSC2):c.4105dup (p.Arg1369fs)

Gene: TSC2 (TSC complex subunit 2; plus strand). Cytogenetic location: 16p13.3.
Variant type: Duplication.
Coding change: c.4105dup on transcript NM_000548.5 (MANE Select); coding-DNA position 4105, one base duplicated (C; older notation c.4105dupC).
Protein change: p.Arg1369fs; shifts the reading frame from arginine 1369.
Molecular consequence: frameshift variant. On other transcripts: non-coding transcript variant (5).
Genome position (GRCh38, 1-based): chr16:2,084,327, C duplicated; the last of 2 consecutive C bases (chr16:2,084,326-2,084,327); duplicating either gives the same sequence. VCF-style (leftmost placement, unchanged base first): chr16-2084325-G-GC. GRCh37 (hg19) VCF-style: chr16-2134326-G-GC.
Other names: c.4102dup, p.Arg1368fs (NM_001406663.1); c.4033dup, p.Arg1345fs (NM_001406664.1); c.4027dup, p.Arg1343fs (NM_001406665.1); c.3997dup, p.Arg1333fs (NM_001406667.1); c.3994dup, p.Arg1332fs (NM_001406668.1); c.3925dup, p.Arg1309fs (NM_001406670.1); c.3895dup, p.Arg1299fs (NM_001406671.1); c.3892dup, p.Arg1298fs (NM_001406673.1); and 26 more; short protein forms R1102fs, R1103fs, R1125fs, R1145fs, R1146fs, R1149fs, R1169fs, R1253fs.
Identifiers: ClinVar variation 4884134 (VCV004884134.2).
Genomic context (GRCh38, chr16:2,084,325, plus strand): 5'-ACGCGGAGGAGCTGGTTGGCAGGGGCATCCCCATCGAGCGAGTCGTCTCCTCGGAGGGTG[G>GC]CCGGCCCTCTGTGGACCTCTCCTTCCAGCCCTCGCAGCCCCTGAGCAAGTCCAGCTCCTC-3'

ClinVar aggregate classification (germline): Likely pathogenic (1 of 4 stars; one submission).

Conditions:
Tuberous sclerosis 2 (TSC2). Identifiers: Orphanet 805, MedGen C1860707, MONDO:0013199, OMIM 613254.

Submission:

Dasa
Classification: Likely pathogenic for Tuberous sclerosis 2. Last evaluated: 2025-07-11. Review status: criteria provided, single submitter. Criteria: DASA Assertion Criteria. Collection method: clinical testing. Allele origin: germline.
Comment: NM_000548.5(TSC2):c.4105dup (p.Arg1369Profs*45) is a frameshift variant in TSC2 predicted to alter the reading frame and introduce a premature termination codon and is predicted to result in an absent or altered protein product. Loss of function is an established disease mechanism for TSC2 (PMID: 31525612; PMID: 10205261; PMID: 29932062). Also, this variant is absent from population databases. Based on the currently available evidence, this variant is classified as likely pathogenic.

Literature cited by the submitters: PubMed 31525612; PubMed 10205261; PubMed 29932062.